The following is an entry in ClinVar:

NM_001374736.1(DST):c.21830T>C (p.Ile7277Thr)

Gene: DST (dystonin; minus strand). Cytogenetic location: 6p12.1.
Variant type: single nucleotide variant.
Coding change: c.21830T>C on transcript NM_001374736.1 (MANE Select); coding-DNA position 21830, T replaced by C.
Protein change: p.Ile7277Thr; replaces isoleucine 7277 with threonine.
Molecular consequence: missense variant.
Genome position (GRCh38, 1-based): chr6:56,476,183, A>G on the plus strand (T>C on the coding strand, the complement: DST is on the minus strand). VCF-style: chr6-56476183-A-G. GRCh37 (hg19) VCF-style: chr6-56340981-A-G.
Other names: c.15473T>C, p.Ile5158Thr (NM_001144769.5); c.15059T>C, p.Ile5020Thr (NM_001144770.2); c.21830T>C, p.Ile7277Thr (NM_001374722.1); c.20870T>C, p.Ile6957Thr (NM_001374729.1); c.14612T>C, p.Ile4871Thr (NM_001374730.1); c.21857T>C, p.Ile7286Thr (NM_001374734.1); c.14939T>C, p.Ile4980Thr (NM_001386100.1, NM_183380.4); c.13961T>C, p.Ile4654Thr (NM_015548.5); short protein forms I4654T, I5020T, I6957T, I4980T, I7277T, I4871T, I5158T, I7286T.
Identifiers: ClinVar variation 1392840 (VCV001392840.3), dbSNP rs2152409234, ClinGen allele CA364510123.
Genomic context (GRCh38, chr6:56,476,183, plus strand): 5'-AGGAGTTAGGATTATATTTATTTTACCTGGTGTTCTGCAATGAGTGCTTTCACCTCTTCG[A>G]TCTCCTGGGGGATGACTTCTTTATCCTTATCAGTAAGTGTAGTTTCAGCCCATTGCAACC-3'
Protein context (NP_001361665.1, residues 7267-7287): DKDKEVIPQE[Ile7277Thr]EEVKALIAEH

ClinVar aggregate classification (germline): Uncertain significance (1 of 4 stars; one submission).

Conditions:
Epidermolysis bullosa simplex 3, localized or generalized intermediate, with BP230 deficiency (EBS3). Also called: Epidermolysis bullosa simplex, autosomal recessive 2; Epidermolysis bullosa simplex due to BP230 deficiency. Identifiers: Orphanet 412181, MedGen C3809470, MONDO:0014180, OMIM 615425.
Hereditary sensory and autonomic neuropathy type 6. Also called: HSAN VI; Neuropathy, hereditary sensory and autonomic, type VI. Identifiers: Orphanet 314381, MedGen C3539003, MONDO:0013839, OMIM 614653.

gnomAD v4.1: 3 of 1,612,276 alleles (0.00019%); highest among the groups gnomAD compares: Non-Finnish European, 0.00025%; no homozygotes.

Submission:

Labcorp Genetics (formerly Invitae), Labcorp
Classification: Uncertain significance for Epidermolysis bullosa simplex 3, localized or generalized intermediate, with BP230 deficiency; Hereditary sensory and autonomic neuropathy type 6. Last evaluated: 2021-09-25. Review status: criteria provided, single submitter. Criteria: Invitae Variant Classification Sherloc (09022015). Collection method: clinical testing. Allele origin: germline.
Comment: This sequence change replaces isoleucine with threonine at codon 4654 of the DST protein (p.Ile4654Thr). The DST gene has multiple clinically relevant transcripts. This variant occurs in alternate transcript NM_015548.4, and corresponds to NM_001723.5:c.*139334T>C in the primary transcript. This variant is not present in population databases (ExAC no frequency). This variant has not been reported in the literature in individuals affected with DST-related conditions. Experimental studies and prediction algorithms are not available or were not evaluated, and the functional significance of this variant is currently unknown. In summary, the available evidence is currently insufficient to determine the role of this variant in disease. Therefore, it has been classified as a Variant of Uncertain Significance.